The following is an entry in ClinVar:

NM_001365088.1(SLC12A6):c.626C>G (p.Thr209Arg)

Genes: SLC12A6 (solute carrier family 12 member 6; minus strand), LOC129390683 (MPRA-validated peak2292 silencer; plus strand). Cytogenetic location: 15q14.
Variant type: single nucleotide variant.
Coding change: c.626C>G on transcript NM_001365088.1 (MANE Select); coding-DNA position 626, C replaced by G.
Protein change: p.Thr209Arg; replaces threonine 209 with arginine.
Molecular consequence: missense variant.
Genome position (GRCh38, 1-based): chr15:34,257,706, G>C on the plus strand (C>G on the coding strand, the complement: SLC12A6 is on the minus strand). VCF-style: chr15-34257706-G-C. GRCh37 (hg19) VCF-style: chr15-34549907-G-C.
Other names: c.449C>G, p.Thr150Arg (NM_001042494.2, NM_001042495.2); c.599C>G, p.Thr200Arg (NM_001042496.2); c.581C>G, p.Thr194Arg (NM_001042497.2); c.473C>G, p.Thr158Arg (NM_005135.2); c.626C>G, p.Thr209Arg (NM_133647.2); short protein forms T150R, T158R, T194R, T200R, T209R.
Identifiers: ClinVar variation 4883089 (VCV004883089.2).

ClinVar aggregate classification (germline): Uncertain significance (1 of 4 stars; one submission).

gnomAD v4.1: 2 of 1,611,620 alleles (0.00012%); highest among the groups gnomAD compares: Admixed American, 0.0017%; no homozygotes.

Submission:

Dasa
Classification: Uncertain significance. Last evaluated: 2025-05-07. Review status: criteria provided, single submitter. Criteria: DASA Assertion Criteria. Collection method: clinical testing. Allele origin: germline.
Comment: NM_001365088.1(SLC12A6):c.626C>G (p.Thr209Arg) is a missense variant that results in the substitution of threonine with arginine. This variant is rare in population databases. Computational prediction algorithms are consistent with a deleterious effect. The currently available literature and clinical evidence are not sufficient to establish a definitive association between this variant and the reported condition. Therefore, this variant is classified as a variant of uncertain significance.